The following is an entry in ClinVar:

ClinVar aggregate classification (germline): Uncertain significance (1 of 4 stars; one submission).

Conditions:
Cardiovascular phenotype. Identifiers: MedGen CN230736.
Hereditary cancer-predisposing syndrome. Also called: Neoplastic Syndromes, Hereditary; Tumor predisposition; Hereditary Cancer Syndrome; Hereditary neoplastic syndrome. Identifiers: Orphanet 140162, MedGen C0027672, MeSH D009386, MONDO:0015356.

gnomAD v4.1: 1 of 1,613,568 alleles (0.000062%); no homozygotes.

Submission:

Ambry Genetics
Classification: Uncertain significance for Cardiovascular phenotype; Hereditary cancer-predisposing syndrome. Last evaluated: 2026-04-26. Review status: criteria provided, single submitter. Criteria: Ambry Variant Classification Scheme 2023. Collection method: clinical testing. Allele origin: germline.
Comment: The p.Q718L variant (also known as c.2153A>T), located in coding exon 18 of the LZTR1 gene, results from an A to T substitution at nucleotide position 2153. The glutamine at codon 718 is replaced by leucine, an amino acid with dissimilar properties. This amino acid position is conserved. In addition, this alteration is predicted to be deleterious by in silico analysis. Based on the available evidence, the clinical significance of this variant remains unclear.

NM_006767.4(LZTR1):c.2153A>T (p.Gln718Leu)

Gene: LZTR1 (leucine zipper like post translational regulator 1; plus strand). Cytogenetic location: 22q11.21.
Variant type: single nucleotide variant.
Coding change: c.2153A>T on transcript NM_006767.4 (MANE Select); coding-DNA position 2153, A replaced by T.
Protein change: p.Gln718Leu; replaces glutamine 718 with leucine.
Molecular consequence: missense variant.
Genome position (GRCh38, 1-based): chr22:20,996,046, A>T. VCF-style: chr22-20996046-A-T. GRCh37 (hg19) VCF-style: chr22-21350335-A-T.
Other names: short protein forms Q718L.
Identifiers: ClinVar variation 4859339 (VCV004859339.1).